The following is an entry in ClinVar:

ClinVar aggregate classification (germline): Pathogenic (1 of 4 stars; one submission).

Conditions:
Hereditary cancer-predisposing syndrome. Also called: Neoplastic Syndromes, Hereditary; Tumor predisposition; Hereditary neoplastic syndrome; Hereditary Cancer Syndrome. Identifiers: Orphanet 140162, MedGen C0027672, MeSH D009386, MONDO:0015356.
Cardiovascular phenotype. Identifiers: MedGen CN230736.

Submission:

Ambry Genetics
Classification: Pathogenic for Cardiovascular phenotype; Hereditary cancer-predisposing syndrome. Last evaluated: 2023-05-12. Review status: criteria provided, single submitter. Criteria: Ambry Variant Classification Scheme 2023. Collection method: clinical testing. Allele origin: germline.
Comment: The p.M1? pathogenic mutation (also known as c.3G>A) is located in coding exon 1 of the LZTR1 gene and results from a G to A substitution at nucleotide position 3. This alters the methionine residue at the initiation codon (ATG). This variant is considered to be rare based on population cohorts in the Genome Aggregation Database (gnomAD). Sequence variations that modify the initiation codon are expected to result in either loss of translation initiation, N-terminal truncation, or cause a shift in the mRNA reading frame. Loss-of-function variants in LZTR1 are related to an increased risk for schwannomas and autosomal recessive Noonan syndrome; however, such associations with autosomal dominant Noonan syndrome have not been observed (Piotrowski A et al. Nat Genet. 2014 Feb;46:182-7; Yamamoto GL et al. J Med Genet. 2015 Jun;52:413-21; Johnston JJ et al. Genet Med. 2018 10;20:1175-1185). Based on the supporting evidence, this variant is pathogenic for an increased risk of LZTR1-related schwannomatosis (SWN) and would be expected to cause autosomal recessive Noonan syndrome when present along with a second pathogenic or likely pathogenic variant on the other allele; however, the association of this alteration with autosomal dominant Noonan syndrome is unlikely.

NM_006767.4(LZTR1):c.3G>A (p.Met1Ile)

Genes: LZTR1 (leucine zipper like post translational regulator 1; plus strand), LOC130067016 (ATAC-STARR-seq lymphoblastoid silent region 13504; plus strand). Cytogenetic location: 22q11.21.
Variant type: single nucleotide variant.
Coding change: c.3G>A on transcript NM_006767.4 (MANE Select); coding-DNA position 3, G replaced by A.
Protein change: p.Met1Ile; changes the start codon (methionine 1).
Molecular consequence: missense variant, initiator codon variant.
Genome position (GRCh38, 1-based): chr22:20,982,374, G>A. VCF-style: chr22-20982374-G-A. GRCh37 (hg19) VCF-style: chr22-21336663-G-A.
Other names: short protein forms M1I.
Identifiers: ClinVar variation 3238279 (VCV003238279.1), dbSNP rs1214659869.